The following is an entry in ClinVar:

NM_001130823.3(DNMT1):c.2922C>T (p.Arg974=)

Gene: DNMT1 (DNA methyltransferase 1; minus strand). Cytogenetic location: 19p13.2.
Variant type: single nucleotide variant.
Coding change: c.2922C>T on transcript NM_001130823.3 (MANE Select); coding-DNA position 2922, C replaced by T.
Protein change: p.Arg974=; no amino-acid change (arginine 974 retained).
Molecular consequence: synonymous variant.
Genome position (GRCh38, 1-based): chr19:10,143,960, G>A on the plus strand (C>T on the coding strand, the complement: DNMT1 is on the minus strand). VCF-style: chr19-10143960-G-A. GRCh37 (hg19) VCF-style: chr19-10254636-G-A.
Other names: c.2874C>T, p.Arg958= (NM_001318730.2, NM_001379.4); c.2559C>T, p.Arg853= (NM_001318731.2).
Identifiers: ClinVar variation 3239513 (VCV003239513.19), dbSNP rs1411782470.

ClinVar aggregate classification (germline): Likely benign (1 of 4 stars; one submission).

gnomAD v4.1: 4 of 1,613,982 alleles (0.00025%); highest among the groups gnomAD compares: South Asian, 0.0033%; no homozygotes.

Submission:

CeGaT Center for Human Genetics Tuebingen
Classification: Likely benign. Last evaluated: 2024-05-01. Review status: criteria provided, single submitter. Criteria: CeGaT Center For Human Genetics Tuebingen Variant Classification Criteria Version 2. Collection method: clinical testing. Allele origin: germline. Affected: yes. Observed: 1 variant allele.
Comment: DNMT1: BP4, BP7